The following is an entry in ClinVar:

ClinVar aggregate classification (germline): Uncertain significance (1 of 4 stars; one submission).

Submission:

Ambry Genetics
Classification: Uncertain significance. Last evaluated: 2025-03-19. Review status: criteria provided, single submitter. Criteria: Ambry Variant Classification Scheme 2023. Collection method: clinical testing. Allele origin: germline.
Comment: The c.316-3T>A intronic variant results from a T to A substitution 3 nucleotides upstream from coding exon 4 in the RAD51B gene. This nucleotide position is well conserved in available vertebrate species. In silico splice site analysis predicts that this alteration will result in the creation or strengthening of a novel splice acceptor site. The evidence for this gene-disease relationship is limited; therefore, the clinical significance of this alteration is unclear.

NM_133510.4(RAD51B):c.316-3T>A

Gene: RAD51B (RAD51 paralog B; plus strand). Cytogenetic location: 14q24.1.
Variant type: single nucleotide variant.
Coding change: c.316-3T>A on transcript NM_133510.4 (MANE Select); 3 bases into the intron before coding-DNA position 316, T replaced by A.
Molecular consequence: intron variant.
Genome position (GRCh38, 1-based): chr14:67,865,000, T>A. VCF-style: chr14-67865000-T-A. GRCh37 (hg19) VCF-style: chr14-68331717-T-A.
Other names: c.316-3T>A (NM_001321818.2, NM_001321809.2, NM_001321821.2 and 6 more transcripts); c.-42-3T>A (NM_001321817.2); c.202-3T>A (NM_001321815.1).
Identifiers: ClinVar variation 3942243 (VCV003942243.1).